The following is an entry in ClinVar:

NM_004366.6(CLCN2):c.2610T>G (p.Thr870=)

Gene: CLCN2 (chloride voltage-gated channel 2; minus strand). Cytogenetic location: 3q27.1.
Variant type: single nucleotide variant.
Coding change: c.2610T>G on transcript NM_004366.6 (MANE Select); coding-DNA position 2610, T replaced by G.
Protein change: p.Thr870=; no amino-acid change (threonine 870 retained).
Molecular consequence: synonymous variant.
Genome position (GRCh38, 1-based): chr3:184,346,693, A>C on the plus strand (T>G on the coding strand, the complement: CLCN2 is on the minus strand). VCF-style: chr3-184346693-A-C. GRCh37 (hg19) VCF-style: chr3-184064481-A-C.
Other names: c.2559T>G, p.Thr853= (NM_001171087.3); c.2478T>G, p.Thr826= (NM_001171088.3); c.2523T>G, p.Thr841= (NM_001171089.3).
Identifiers: ClinVar variation 4822573 (VCV004822573.4).

ClinVar aggregate classification (germline): Likely benign (1 of 4 stars; one submission).

Submission:

CeGaT Center for Human Genetics Tuebingen
Classification: Likely benign. Last evaluated: 2026-01-01. Review status: criteria provided, single submitter. Criteria: CeGaT Center For Human Genetics Tuebingen Variant Classification Criteria Version 2. Collection method: clinical testing. Allele origin: germline. Affected: yes. Observed: 1 variant allele.
Comment: CLCN2: PM2:Supporting, BP4, BP7